The following is an entry in ClinVar:

ClinVar aggregate classification (germline): Pathogenic. Review status: criteria provided, multiple submitters, no conflicts (2 of 4 stars). 6 submissions from 6 submitters: Pathogenic (4). 2 of the submissions do not count toward it. Last evaluated 2022-09-03.

Conditions:
Methylmalonic aciduria due to methylmalonyl-CoA mutase deficiency (MAMM). Also called: Methylmalonic aciduria, mut type. Identifiers: Orphanet 27, MedGen C1855114, MONDO:0009612, OMIM 251000.
Methylmalonic aciduria due to complete methylmalonyl-CoA mutase deficiency.
Methylmalonic acidemia (MMA). Also called: Isolated Methylmalonic Acidemia. Identifiers: MedGen C0268583, MeSH C537358, MONDO:0002012, HP:0002912.

gnomAD v4.1: 1 of 1,612,446 alleles (0.000062%); highest among the groups gnomAD compares: South Asian, 0.0011%; no homozygotes.

Submissions (6):

Labcorp Genetics (formerly Invitae), Labcorp
Classification: Pathogenic. Last evaluated: 2022-09-03. Review status: criteria provided, single submitter. Criteria: Invitae Variant Classification Sherloc (09022015). Collection method: clinical testing. Allele origin: germline.
Comment: This sequence change creates a premature translational stop signal (p.Glu224*) in the MUT gene. It is expected to result in an absent or disrupted protein product. Loss-of-function variants in MUT are known to be pathogenic (PMID: 15781192). This variant is not present in population databases (gnomAD no frequency). This premature translational stop signal has been observed in individual(s) with methylmalonic aciduria (PMID: 16281286). ClinVar contains an entry for this variant (Variation ID: 552718). Algorithms developed to predict the effect of sequence changes on RNA splicing suggest that this variant may create or strengthen a splice site. For these reasons, this variant has been classified as Pathogenic.

Fulgent Genetics
Classification: Pathogenic for Methylmalonic aciduria due to methylmalonyl-CoA mutase deficiency. Last evaluated: 2021-12-22. Review status: criteria provided, single submitter. Criteria: ACMG Guidelines, 2015. Collection method: clinical testing. Allele origin: unknown.

Women's Health and Genetics/Laboratory Corporation of America, LabCorp
Classification: Pathogenic for Methylmalonic acidemia. Last evaluated: 2021-11-18. Review status: criteria provided, single submitter. Criteria: LabCorp Variant Classification Summary - May 2015. Collection method: clinical testing. Allele origin: germline.
Comment: Variant summary: MUT c.670G>T (p.Glu224X) results in a premature termination codon, predicted to cause a truncation of the encoded protein or absence of the protein due to nonsense mediated decay, which are commonly known mechanisms for disease. Truncations downstream of this position have been classified as pathogenic by our laboratory. The variant was absent in 250444 control chromosomes. c.670G>T has been reported in the literature as a compound heterozygous genotype with another loss of function variant in at-least one individual affected with Methylmalonic Acidemia and this individual has been subsequently cited and comprehensively analyzed in numerous subsequent studies (example, Worgan_2006, O'Shea_2012, Manoli_2016, Harrington_2016, Hauser_2011). To our knowledge, no experimental evidence demonstrating an impact on protein function has been reported. Three clinical diagnostic laboratories have submitted clinical-significance assessments for this variant to ClinVar after 2014 without evidence for independent evaluation. All laboratories classified the variant as likely pathogenic/pathogenic. Based on the evidence outlined above, the variant was classified as pathogenic.

GeneDx
Classification: Pathogenic. Last evaluated: 2019-02-01. Review status: criteria provided, single submitter. Criteria: GeneDx Variant Classification (06012015). Collection method: clinical testing. Allele origin: germline. Affected: yes.
Comment: The E224X variant has been reported previously in an individual with mut0 MMA who also had a second nonsense variant identified in the MUT gene (Worgan et al., 2006). The E224X variant is not observed in large population cohorts (Lek et al., 2016). This E224X variant is predicted to cause loss of normal protein function either through protein truncation or nonsense-mediated mRNA decay. In summary, we interpret E224X as pathogenic.

Natera, Inc.
Classification: Pathogenic for Methylmalonic aciduria due to complete methylmalonyl-CoA mutase deficiency. Last evaluated: 2021-03-10. Review status: no assertion criteria provided. Collection method: clinical testing. Allele origin: germline. Not counted in ClinVar's aggregate classification.

Counsyl
Classification: Likely pathogenic for Methylmalonic aciduria due to methylmalonyl-CoA mutase deficiency. Last evaluated: 2017-07-05. Review status: no assertion criteria provided. Collection method: clinical testing. Allele origin: unknown. Not counted in ClinVar's aggregate classification.

Literature cited by the submitters: PubMed 15781192 (cited by Labcorp Genetics (formerly Invitae), Labcorp); PubMed 16281286 (cited by 3 submitters); PubMed 26790480 (cited by Women's Health and Genetics/Laboratory Corporation of America, LabCorp); PubMed 21048060 (cited by Women's Health and Genetics/Laboratory Corporation of America, LabCorp); PubMed 22614770 (cited by Women's Health and Genetics/Laboratory Corporation of America, LabCorp); PubMed 26270765 (cited by Women's Health and Genetics/Laboratory Corporation of America, LabCorp); PubMed 19088183 (cited by Counsyl); PubMed 17470278 (cited by Counsyl); PubMed 25525159 (cited by Counsyl).

NM_000255.4(MMUT):c.670G>T (p.Glu224Ter)

Gene: MMUT (methylmalonyl-CoA mutase; minus strand). Cytogenetic location: 6p12.3.
Variant type: single nucleotide variant.
Coding change: c.670G>T on transcript NM_000255.4 (MANE Select); coding-DNA position 670, G replaced by T.
Protein change: p.Glu224Ter; replaces glutamic acid 224 with a stop codon.
Molecular consequence: nonsense.
Genome position (GRCh38, 1-based): chr6:49,457,774, C>A on the plus strand (G>T on the coding strand, the complement: MMUT is on the minus strand). VCF-style: chr6-49457774-C-A. GRCh37 (hg19) VCF-style: chr6-49425487-C-A.
Other names: short protein forms E224*.
Identifiers: ClinVar variation 552718 (VCV000552718.15), dbSNP rs1554160638, ClinGen allele CA364404204.